The following is an entry in ClinVar:

ClinVar aggregate classification (germline): Uncertain significance (1 of 4 stars; one submission).

Submission:

Labcorp Genetics (formerly Invitae), Labcorp
Classification: Uncertain significance. Last evaluated: 2023-10-13. Review status: criteria provided, single submitter. Criteria: Invitae Variant Classification Sherloc (09022015). Collection method: clinical testing. Allele origin: germline.
Comment: This variant results in a copy number gain of the genomic region encompassing exon(s) 1-6 of the DNA2 gene. This region includes the initiator codon of the gene. This copy number gain extends beyond the assayed region for this gene and therefore may encompass additional genes. As the precise location of this event is unknown, it may be in tandem or it may be located elsewhere in the genome. This variant has not been reported in the literature in individuals affected with DNA2-related conditions. In summary, the available evidence is currently insufficient to determine the role of this variant in disease. Therefore, it has been classified as a Variant of Uncertain Significance.

NC_000010.10:g.(?_70209765)_(70231621_?)dup

Gene: DNA2 (DNA replication helicase/nuclease 2; minus strand). Cytogenetic location: 10q21.3.
Variant type: Duplication.
Identifiers: ClinVar variation 1373493 (VCV001373493.5).